The following is an entry in ClinVar:

ClinVar aggregate classification (germline): Likely pathogenic (1 of 4 stars; one submission).

Submission:

GeneDx
Classification: Likely pathogenic. Last evaluated: 2023-12-07. Review status: criteria provided, single submitter. Criteria: GeneDx Variant Classification Process June 2021. Collection method: clinical testing. Allele origin: germline. Affected: yes.
Comment: Not observed at significant frequency in large population cohorts (gnomAD); In silico analysis supports that this missense variant has a deleterious effect on protein structure/function; Has not been previously published as pathogenic or benign to our knowledge

NM_001792.5(CDH2):c.1321G>T (p.Asp441Tyr)

Gene: CDH2 (cadherin 2; minus strand). Cytogenetic location: 18q12.1.
Variant type: single nucleotide variant.
Coding change: c.1321G>T on transcript NM_001792.5 (MANE Select); coding-DNA position 1321, G replaced by T.
Protein change: p.Asp441Tyr; replaces aspartic acid 441 with tyrosine.
Molecular consequence: missense variant.
Genome position (GRCh38, 1-based): chr18:27,992,678, C>A on the plus strand (G>T on the coding strand, the complement: CDH2 is on the minus strand). VCF-style: chr18-27992678-C-A. GRCh37 (hg19) VCF-style: chr18-25572642-C-A.
Other names: c.1228G>T, p.Asp410Tyr (NM_001308176.2); short protein forms D410Y, D441Y.
Identifiers: ClinVar variation 3378101 (VCV003378101.1).
Genomic context (GRCh38, chr18:27,992,678, plus strand): 5'-AGCTGTTGGAGAGATCAGTGGCCCGAGGAACACTTACTTTGACCACGGTGACTAACCCGT[C>A]GTTGCTGTTTGGGTCGGTCTGGATGGCGAACCGTCCAGTAGGATCTCCGCCACTGATTCT-3'
Protein context (NP_001783.2, residues 431-451): FAIQTDPNSN[Asp441Tyr]GLVTVVKPID